The following is an entry in ClinVar:

NM_017780.4(CHD7):c.7579A>C (p.Met2527Leu)

Gene: CHD7 (chromodomain helicase DNA binding protein 7; plus strand). Cytogenetic location: 8q12.2.
Variant type: single nucleotide variant.
Coding change: c.7579A>C on transcript NM_017780.4 (MANE Select); coding-DNA position 7579, A replaced by C.
Protein change: p.Met2527Leu; replaces methionine 2527 with leucine.
Molecular consequence: missense variant. On other transcripts: intron variant (1).
Genome position (GRCh38, 1-based): chr8:60,856,859, A>C. VCF-style: chr8-60856859-A-C. GRCh37 (hg19) VCF-style: chr8-61769418-A-C.
Other names: NM_017780.3(CHD7):c.7579A>C(p.Met2527Leu); c.1717-5370A>C (NM_001316690.1); c.7579A>C, p.Met2527Leu (LRG_176t1); short protein forms M2527L.
Identifiers: ClinVar variation 158317 (VCV000158317.72), dbSNP rs192129249, ClinGen allele CA333506.

ClinVar aggregate classification (germline): Benign/Likely benign. Review status: criteria provided, multiple submitters, no conflicts (2 of 4 stars). 21 submissions from 21 submitters: Benign (8); Likely benign (8). 5 of the submissions do not count toward it. Last evaluated 2026-09-01.

Conditions:
CHD7-related disorder. Also called: CHD7-related condition.
Inborn genetic diseases. Identifiers: MedGen C0950123, MeSH D030342.
CHARGE syndrome (CHARGE). Also called: CHARGE ASSOCIATION--COLOBOMA, HEART ANOMALY, CHOANAL ATRESIA, RETARDATION, GENITAL AND EAR ANOMALIES; Coloboma, heart anomaly, choanal atresia, retardation, genital and ear anomalies; CHARGE association; Hall-Hittner syndrome; Hittner Hirsch Kreh syndrome. Identifiers: Orphanet 138, MedGen C0265354, MONDO:0008965.
Hypogonadotropic hypogonadism 5 with or without anosmia (KAL5). Also called: HYPOGONADOTROPIC HYPOGONADISM 5 WITH ANOSMIA; HYPOGONADOTROPHIC HYPOGONADISM 5 WITHOUT ANOSMIA; CHD7-Related GnRH Deficiency (Kallmann Syndrome 5). Identifiers: Orphanet 478, MedGen C3552553, MONDO:0012880, OMIM 612370. Disease mechanism: loss of function.
Amenorrhea. Identifiers: MedGen C0002453, MONDO:0001836, HP:0000141.

Allele frequency attached by ClinVar (database versions not stated): 1000 Genomes Project 0.00040; gnomAD 0.00259 and 0.00267; gnomAD exomes 0.00203; ExAC 0.00210; 1000 Genomes Project 30x 0.00047; ESP Exome Variant Server 0.00379; TOPMed 0.00280.
gnomAD v4.1: 6,696 of 1,566,236 alleles (0.43%); highest among the groups gnomAD compares: Non-Finnish European, 0.54%; 23 homozygotes.

Submissions (21):

CeGaT Center for Human Genetics Tuebingen
Classification: Benign. Last evaluated: 2026-09-01. Review status: criteria provided, single submitter. Criteria: CeGaT Center For Human Genetics Tuebingen Variant Classification Criteria Version 2. Collection method: clinical testing. Allele origin: germline. Affected: yes. Observed: 26 variant alleles.
Comment: CHD7: BS1, BS2

Women's Health and Genetics/Laboratory Corporation of America, LabCorp
Classification: Likely benign. Last evaluated: 2026-03-02. Review status: criteria provided, single submitter. Criteria: LabCorp Variant Classification Summary - May 2015. Collection method: clinical testing. Allele origin: germline.

Labcorp Genetics (formerly Invitae), Labcorp
Classification: Benign for CHARGE syndrome. Last evaluated: 2026-02-01. Review status: criteria provided, single submitter. Criteria: Invitae Variant Classification Sherloc (09022015). Collection method: clinical testing. Allele origin: germline.

Blueprint Genetics
Classification: Likely benign. Last evaluated: 2024-11-25. Review status: criteria provided, single submitter. Criteria: ACMG Guidelines, 2015. Collection method: clinical testing. Allele origin: germline.

Mayo Clinic Laboratories, Mayo Clinic
Classification: Benign. Last evaluated: 2024-01-04. Review status: criteria provided, single submitter. Criteria: ACMG Guidelines, 2015. Collection method: clinical testing. Allele origin: germline. Observed: 3 variant alleles.
Comment: BS1, BS2, BP4_strong

Fulgent Genetics
Classification: Likely benign for CHD7-related CHARGE syndrome; Hypogonadotropic hypogonadism 5 with or without anosmia. Last evaluated: 2022-04-10. Review status: criteria provided, single submitter. Criteria: ACMG Guidelines, 2015. Collection method: clinical testing. Allele origin: unknown.

GeneDx
Classification: Benign. Last evaluated: 2019-11-07. Review status: criteria provided, single submitter. Criteria: GeneDx Variant Classification Process June 2021. Collection method: clinical testing. Allele origin: germline. Affected: yes.
Comment: This variant is associated with the following publications: (PMID: 27884859, 30921766, 25077900, 21158681, 25996639, 29891883)

ARUP Laboratories, Molecular Genetics and Genomics, ARUP Laboratories
Classification: Likely benign. Last evaluated: 2019-06-22. Review status: criteria provided, single submitter. Criteria: ARUP Molecular Germline Variant Investigation Process. Collection method: clinical testing. Allele origin: germline.

Mendelics
Classification: Likely benign for CHD7-related CHARGE syndrome. Last evaluated: 2019-05-28. Review status: criteria provided, single submitter. Criteria: Mendelics Assertion Criteria 2017. Collection method: clinical testing. Allele origin: unknown.

Laboratory for Molecular Medicine, Mass General Brigham Personalized Medicine
Classification: Benign. Last evaluated: 2018-12-04. Review status: criteria provided, single submitter. Criteria: LMM Criteria. Collection method: clinical testing. Allele origin: germline. Observed: 1 variant allele.
Comment: The p.Met2527Leu variant in CHD7 is classified as benign because it has been ide ntified in 0.36% (407/113196) of European chromosomes, including 1 homozygous in dividual, by gnomAD and due to a lack of cons ervation across species, including mammals. Of note, four mammals have a leucine (Leu) at this position despite high nearby amino acid conservation. In addition , computational prediction tools do not suggest a high likelihood of impact to t he protein. Finally, although this variant has been reported in individuals with CHARGE syndrome, it was also identified in their unaffected parents (Bartels 20 10, Marcos 2014). ACMG/AMP Criteria applied: BA1, BP4_Strong, BS4.

SIB Swiss Institute of Bioinformatics
Classification: Benign for Hypogonadotropic hypogonadism 5 with or without anosmia. Last evaluated: 2018-05-31. Review status: criteria provided, single submitter. Criteria: ACMG Guidelines, 2015. Collection method: curation. Allele origin: unknown.
Comment: This variant is interpreted as a Benign, for Hypogonadotropic hypogonadism 5 with or without anosmia, in Autosomal Dominant manner. The following ACMG Tag(s) were applied: BS4 => Lack of segregation in affected members of a family (PMID:25077900). BS2 => Observed in a healthy adult individual for a recessive (homozygous), dominant (heterozygous), or X-linked (hemizygous) disorder, with full penetrance expected at an early age.

Illumina Laboratory Services, Illumina
Classification: Benign for Kallmann Syndrome 5. Last evaluated: 2018-01-13. Review status: criteria provided, single submitter. Criteria: ICSL Variant Classification Criteria 13 December 2019. Collection method: clinical testing. Allele origin: germline.
Comment: This variant was observed in the ICSL laboratory as part of a predisposition screen in an ostensibly healthy population. It had not been previously curated by ICSL or reported in the Human Gene Mutation Database (HGMD: prior to June 1st, 2018), and was therefore a candidate for classification through an automated scoring system. Utilizing variant allele frequency, disease prevalence and penetrance estimates, and inheritance mode, an automated score was calculated to assess if this variant is too frequent to cause the disease. Based on the score and internal cut-off values, a variant classified as benign is not then subjected to further curation. The score for this variant resulted in a classification of benign for this disease.

Ambry Genetics
Classification: Likely benign for Inborn genetic diseases. Last evaluated: 2017-06-14. Review status: criteria provided, single submitter. Criteria: Ambry Variant Classification Scheme 2023. Collection method: clinical testing. Allele origin: germline.

Eurofins Ntd Llc (ga)
Classification: Benign. Last evaluated: 2014-03-03. Review status: criteria provided, single submitter. Criteria: EGL Classification Definitions 2015. Collection method: clinical testing. Allele origin: germline. Observed: 1 variant allele, 1 heterozygote.

Genetic Services Laboratory, University of Chicago
Classification: Likely benign. Last evaluated: 2013-02-08. Review status: criteria provided, single submitter. Criteria: ACMG Guidelines, 2007. Collection method: clinical testing. Allele origin: germline. Inheritance: Autosomal dominant inheritance.

Breakthrough Genomics
Classification: Likely benign. Review status: criteria provided, single submitter. Criteria: ACMG Guidelines, 2015. Collection method: not provided. Allele origin: germline. Inheritance: Autosomal dominant inheritance. Affected: yes.

Yale Center for Mendelian Genomics, Yale University
Classification: Uncertain significance for Amenorrhea. Last evaluated: 2021-03-08. Review status: no assertion criteria provided. Collection method: literature only. Allele origin: unknown. Affected: yes. Observed: 1 heterozygote. Study: Yale Center for Mendelian Genomics. Not counted in ClinVar's aggregate classification.

PreventionGenetics, part of Exact Sciences
Classification: Benign for CHD7-related condition. Last evaluated: 2019-10-10. Review status: no assertion criteria provided. Collection method: clinical testing. Allele origin: germline. Not counted in ClinVar's aggregate classification.
Comment: This variant is classified as benign based on ACMG/AMP sequence variant interpretation guidelines (Richards et al. 2015 PMID: 25741868, with internal and published modifications).

Clinical Genetics DNA and cytogenetics Diagnostics Lab, Erasmus MC, Erasmus Medical Center
Classification: Likely benign. Review status: no assertion criteria provided. Collection method: clinical testing. Allele origin: germline. Affected: yes. Study: VKGL Data-share Consensus. Not counted in ClinVar's aggregate classification.

Clinical Genetics, Academic Medical Center
Classification: Likely benign. Review status: no assertion criteria provided. Collection method: clinical testing. Allele origin: germline. Affected: yes. Study: VKGL Data-share Consensus. Not counted in ClinVar's aggregate classification.

Diagnostic Laboratory, Department of Genetics, University Medical Center Groningen
Classification: Likely benign. Review status: no assertion criteria provided. Collection method: clinical testing. Allele origin: germline. Affected: yes. Study: VKGL Data-share Consensus. Not counted in ClinVar's aggregate classification.

Literature cited by the submitters: PubMed 21158681 (cited by Laboratory for Molecular Medicine, Mass General Brigham Personalized Medicine); PubMed 25077900 (cited by 3 submitters); PubMed 32870266 (cited by Yale Center for Mendelian Genomics, Yale University).